The following is an entry in ClinVar:

NM_002240.5(KCNJ6):c.235G>A (p.Asp79Asn)

Genes: KCNJ6 (potassium inwardly rectifying channel subfamily J member 6; minus strand), KCNJ6-AS1 (KCNJ6 antisense RNA 1; plus strand). Cytogenetic location: 21q22.13.
Variant type: single nucleotide variant.
Coding change: c.235G>A on transcript NM_002240.5 (MANE Select); coding-DNA position 235, G replaced by A.
Protein change: p.Asp79Asn; replaces aspartic acid 79 with asparagine.
Molecular consequence: missense variant.
Genome position (GRCh38, 1-based): chr21:37,714,922, C>T on the plus strand (G>A on the coding strand, the complement: KCNJ6 is on the minus strand). VCF-style: chr21-37714922-C-T. GRCh37 (hg19) VCF-style: chr21-39087225-C-T.
Other names: short protein forms D79N.
Identifiers: ClinVar variation 5006420 (VCV005006420.2), dbSNP rs143219969.

ClinVar aggregate classification (germline): Uncertain significance (1 of 4 stars; one submission).

Conditions:
Keppen-Lubinsky syndrome (KPLBS). Identifiers: Orphanet 435628, MedGen C3279800, MONDO:0013572, OMIM 614098.

Submission:

Juno Genomics, Hangzhou Juno Genomics, Inc
Classification: Uncertain significance for Keppen-Lubinsky syndrome. Review status: criteria provided, single submitter. Criteria: ACMG Guidelines, 2015. Collection method: clinical testing. Allele origin: germline.
Comment: Absent from controls (or at extremely low frequency if recessive) in Genome Aggregation Database.;Assumed de novo, but without confirmation of paternity and maternity.;Multiple lines of computational evidence support a deleterious effect on the gene or gene product.;Missense variant in a gene that has a low rate of benign missense variation.